The following is an entry in ClinVar:

ClinVar aggregate classification (germline): Uncertain significance (1 of 4 stars; one submission).

Allele frequency attached by ClinVar (database versions not stated): TOPMed 0.00001.
gnomAD v4.1: 5 of 1,544,938 alleles (0.00032%); highest among the groups gnomAD compares: Admixed American, 0.002%; no homozygotes.

Submission:

Labcorp Genetics (formerly Invitae), Labcorp
Classification: Uncertain significance. Last evaluated: 2022-09-06. Review status: criteria provided, single submitter. Criteria: Invitae Variant Classification Sherloc (09022015). Collection method: clinical testing. Allele origin: germline.
Comment: Algorithms developed to predict the effect of missense changes on protein structure and function (SIFT, PolyPhen-2, Align-GVGD) all suggest that this variant is likely to be disruptive. This variant has not been reported in the literature in individuals affected with TET2-related conditions. This variant is present in population databases (no rsID available, gnomAD 0.002%). This sequence change replaces leucine, which is neutral and non-polar, with proline, which is neutral and non-polar, at codon 1322 of the TET2 protein (p.Leu1322Pro). In summary, the available evidence is currently insufficient to determine the role of this variant in disease. Therefore, it has been classified as a Variant of Uncertain Significance.

NM_001127208.3(TET2):c.3965T>C (p.Leu1322Pro)

Genes: TET2 (tet methylcytosine dioxygenase 2; plus strand), TET2-AS1 (TET2 antisense RNA 1; minus strand). Cytogenetic location: 4q24.
Variant type: single nucleotide variant.
Coding change: c.3965T>C on transcript NM_001127208.3 (MANE Select); coding-DNA position 3965, T replaced by C.
Protein change: p.Leu1322Pro; replaces leucine 1322 with proline.
Molecular consequence: missense variant.
Genome position (GRCh38, 1-based): chr4:105,261,769, T>C. VCF-style: chr4-105261769-T-C. GRCh37 (hg19) VCF-style: chr4-106182926-T-C.
Other names: short protein forms L1322P.
Identifiers: ClinVar variation 2413725 (VCV002413725.6), dbSNP rs551797762, ClinGen allele CA357807743.